The following is an entry in ClinVar:

ClinVar aggregate classification (germline): Likely benign (0 of 4 stars; one submission).

Conditions:
DNAH10-related disorder. Also called: DNAH10-related condition.

Allele frequency attached by ClinVar (database versions not stated): gnomAD 0.00001; gnomAD exomes 0.00001.
gnomAD v4.1: 12 of 1,613,862 alleles (0.00074%); highest among the groups gnomAD compares: African/African-American, 0.0027%; no homozygotes.

Submission:

PreventionGenetics, part of Exact Sciences
Classification: Likely benign for DNAH10-related condition. Last evaluated: 2019-04-09. Review status: no assertion criteria provided. Collection method: clinical testing. Allele origin: germline.
Comment: This variant is classified as likely benign based on ACMG/AMP sequence variant interpretation guidelines (Richards et al. 2015 PMID: 25741868, with internal and published modifications).

NM_001372106.1(DNAH10):c.5871C>T (p.Thr1957=)

Gene: DNAH10 (dynein axonemal heavy chain 10; plus strand). Cytogenetic location: 12q24.31.
Variant type: single nucleotide variant.
Coding change: c.5871C>T on transcript NM_001372106.1 (MANE Select); coding-DNA position 5871, C replaced by T.
Protein change: p.Thr1957=; no amino-acid change (threonine 1957 retained).
Molecular consequence: synonymous variant.
Genome position (GRCh38, 1-based): chr12:123,848,017, C>T. VCF-style: chr12-123848017-C-T. GRCh37 (hg19) VCF-style: chr12-124332564-C-T.
Other names: c.5517C>T, p.Thr1839= (NM_001083900.1, NM_207437.3).
Identifiers: ClinVar variation 3047805 (VCV003047805.2), dbSNP rs1451742820, ClinGen allele CA482273566.